The following is an entry in ClinVar:

ClinVar aggregate classification (germline): Uncertain significance (1 of 4 stars; one submission).

Conditions:
Neuropathy, hereditary sensory, type 2C. Also called: Hereditary sensory and autonomic neuropathy type IIC; KIF1A-Related HSAN2 (HSAN2C). Identifiers: Orphanet 970, MedGen C3280168, MONDO:0013634, OMIM 614213.
Intellectual disability, autosomal dominant 9 (NESCAVS). Also called: KIF1A-Related Neurodevelopmental Disorder; NESCAV SYNDROME. Identifiers: Orphanet 662367, MedGen C5393830, MONDO:0013656, OMIM 614255.
Hereditary spastic paraplegia 30. Identifiers: Orphanet 101010, MedGen C5235139, MONDO:0012476.

gnomAD v4.1: 1 of 1,613,738 alleles (0.000062%); highest among the groups gnomAD compares: Non-Finnish European, 0.000085%; no homozygotes.

Submission:

Labcorp Genetics (formerly Invitae), Labcorp
Classification: Uncertain significance for Hereditary spastic paraplegia 30; Neuropathy, hereditary sensory, type 2C; Intellectual disability, autosomal dominant 9. Last evaluated: 2023-02-22. Review status: criteria provided, single submitter. Criteria: Invitae Variant Classification Sherloc (09022015). Collection method: clinical testing. Allele origin: germline.
Comment: In summary, the available evidence is currently insufficient to determine the role of this variant in disease. Therefore, it has been classified as a Variant of Uncertain Significance. Advanced modeling of protein sequence and biophysical properties (such as structural, functional, and spatial information, amino acid conservation, physicochemical variation, residue mobility, and thermodynamic stability) performed at Invitae indicates that this missense variant is expected to disrupt KIF1A protein function. ClinVar contains an entry for this variant (Variation ID: 950651). This variant has not been reported in the literature in individuals affected with KIF1A-related conditions. This variant is not present in population databases (gnomAD no frequency). This sequence change replaces threonine, which is neutral and polar, with lysine, which is basic and polar, at codon 46 of the KIF1A protein (p.Thr46Lys).

NM_001244008.2(KIF1A):c.137C>A (p.Thr46Lys)

Gene: KIF1A (kinesin family member 1A; minus strand). Cytogenetic location: 2q37.3.
Variant type: single nucleotide variant.
Coding change: c.137C>A on transcript NM_001244008.2 (MANE Select); coding-DNA position 137, C replaced by A.
Protein change: p.Thr46Lys; replaces threonine 46 with lysine.
Molecular consequence: missense variant.
Genome position (GRCh38, 1-based): chr2:240,789,282, G>T on the plus strand (C>A on the coding strand, the complement: KIF1A is on the minus strand). VCF-style: chr2-240789282-G-T. GRCh37 (hg19) VCF-style: chr2-241728699-G-T.
Other names: c.137C>A, p.Thr46Lys (NM_001320705.2, NM_001330289.2, NM_001330290.2 and 20 more transcripts); short protein forms T46K.
Identifiers: ClinVar variation 950651 (VCV000950651.10), dbSNP rs182395595, ClinGen allele CA351311775.